The following is an entry in ClinVar:

ClinVar aggregate classification (germline): Pathogenic. Review status: criteria provided, multiple submitters, no conflicts (2 of 4 stars). 6 submissions from 6 submitters: Pathogenic (5). 1 of the submissions does not count toward it. Last evaluated 2026-02-01.

Conditions:
CERKL-related disorders.
Retinitis pigmentosa (RP). Identifiers: Orphanet 791, MedGen C0035334, MeSH D012174, MONDO:0019200, OMIM 268000. Inheritance: Autosomal dominant, autosomal recessive and X linked inheritance.
Retinitis pigmentosa 26 (RP26). Identifiers: Orphanet 791, MedGen C1842127, MONDO:0012024, OMIM 608380.

Allele frequency attached by ClinVar (database versions not stated): TOPMed 0.00003; gnomAD exomes below 0.00001 and 0.00001; gnomAD 0.00003.
gnomAD v4.1: 22 of 1,612,486 alleles (0.0014%); highest among the groups gnomAD compares: Non-Finnish European, 0.0019%; no homozygotes.

Submissions (6):

Labcorp Genetics (formerly Invitae), Labcorp
Classification: Pathogenic. Last evaluated: 2026-02-01. Review status: criteria provided, single submitter. Criteria: Invitae Variant Classification Sherloc (09022015). Collection method: clinical testing. Allele origin: germline.
Comment: This sequence change creates a premature translational stop signal (p.Lys200*) in the CERKL gene. It is expected to result in an absent or disrupted protein product. Loss-of-function variants in CERKL are known to be pathogenic (PMID: 14681825, 23591405, 24043777). This variant is present in population databases (rs398122963, gnomAD 0.0009%). This premature translational stop signal has been observed in individual(s) with inherited retinal dystrophy (PMID: 24043777, 25097241). In at least one individual the data is consistent with being in trans (on the opposite chromosome) from a pathogenic variant. ClinVar contains an entry for this variant (Variation ID: 91393). For these reasons, this variant has been classified as Pathogenic.

Natera, Inc.
Classification: Pathogenic for Retinitis Pigmentosa 26. Last evaluated: 2024-05-30. Review status: criteria provided, single submitter. Criteria: Natera Variant Classification Schema (03/2026). Collection method: clinical testing. Allele origin: germline.
Comment: The c.598A>T variant in CERKL is a nonsense variant predicted to introduce a stop codon at amino acid 200. This variant is expected to result in nonsense mediated decay, truncation, or a dysfunctional protein product. This variant is rare in the general population with a frequency below the threshold expected for the associated phenotype(s). This variant has been observed in one or more individuals affected with the associated recessive disease, as either homozygous or compound heterozygous with a second variant (PMID: 25097241, 24043777). Additionally, this variant has been observed to segregate in affected family members (PMID: 24043777). Given the available evidence, this variant is classified as Pathogenic.

Fulgent Genetics
Classification: Pathogenic for Retinitis pigmentosa 26. Last evaluated: 2024-03-27. Review status: criteria provided, single submitter. Criteria: ACMG Guidelines, 2015. Collection method: clinical testing. Allele origin: germline.

Blueprint Genetics
Classification: Pathogenic for CERKL-related disorders. Last evaluated: 2022-08-22. Review status: criteria provided, single submitter. Criteria: ACMG Guidelines, 2015. Collection method: clinical testing. Allele origin: germline. Affected: yes. Observed: 5 variant alleles.

Broad Center for Mendelian Genomics, Broad Institute of MIT and Harvard
Classification: Pathogenic for Retinitis pigmentosa. Last evaluated: 2021-04-01. Review status: criteria provided, single submitter. Criteria: ACMG Guidelines, 2015. Collection method: curation. Allele origin: germline. Inheritance: Autosomal recessive inheritance. Affected: yes.
Comment: Through a review of available evidence we were able to apply the following criteria: PVS1, PM2, PM3-P. Based on this evidence we have classified this variant as Pathogenic. If you have any questions about the classification please reach out to the Pierce Lab.

OMIM
Classification: Pathogenic for RETINITIS PIGMENTOSA 26. Last evaluated: 2013-10-01. Review status: no assertion criteria provided. Collection method: literature only. Allele origin: germline. Not counted in ClinVar's aggregate classification.

Literature cited by the submitters: PubMed 14681825 (cited by Labcorp Genetics (formerly Invitae), Labcorp); PubMed 23591405 (cited by Labcorp Genetics (formerly Invitae), Labcorp); PubMed 24043777 (cited by 4 submitters); PubMed 25097241 (cited by 3 submitters); PubMed 34906470 (cited by Broad Center for Mendelian Genomics, Broad Institute of MIT and Harvard).

NM_201548.5(CERKL):c.598A>T (p.Lys200Ter)

Gene: CERKL (CERK like autophagy regulator; minus strand). Cytogenetic location: 2q31.3.
Variant type: single nucleotide variant.
Coding change: c.598A>T on transcript NM_201548.5 (MANE Select); coding-DNA position 598, A replaced by T.
Protein change: p.Lys200Ter; replaces lysine 200 with a stop codon.
Molecular consequence: nonsense. On other transcripts: non-coding transcript variant (1), intron variant (2).
Genome position (GRCh38, 1-based): chr2:181,573,768, T>A on the plus strand (A>T on the coding strand, the complement: CERKL is on the minus strand). VCF-style: chr2-181573768-T-A. GRCh37 (hg19) VCF-style: chr2-182438495-T-A.
Other names: c.598A>T, p.Lys200Ter (NM_001030311.3, NM_001030313.3); c.482-24060A>T (NM_001030312.3); c.482-7647A>T (NM_001160277.2); short protein forms K200*.
Identifiers: ClinVar variation 91393 (VCV000091393.18), dbSNP rs398122963, ClinGen allele CA266217.
Genomic context (GRCh38, chr2:181,573,768, plus strand): 5'-GTATGTTTTTGTAGATGGTGAAATTATATTCTGAAAATTACTTACTTGTTACATCAGTTT[T>A]TATTCCTGCAAGCTTCAACAGAGGTTCAACCTTCTCATAATAAACCTGGGTAGCTTCTTT-3'